The following is an entry in ClinVar:

NM_014191.4(SCN8A):c.643A>G (p.Asn215Asp)

Gene: SCN8A (sodium voltage-gated channel alpha subunit 8; plus strand). Cytogenetic location: 12q13.13.
Variant type: single nucleotide variant.
Coding change: c.643A>G on transcript NM_014191.4 (MANE Plus Clinical); coding-DNA position 643, A replaced by G.
Protein change: p.Asn215Asp; replaces asparagine 215 with aspartic acid.
Molecular consequence: missense variant. On other transcripts: intron variant (2).
Genome position (GRCh38, 1-based): chr12:51,688,786, A>G. VCF-style: chr12-51688786-A-G. GRCh37 (hg19) VCF-style: chr12-52082570-A-G.
Other names: c.615-219A>G (NM_001330260.2, NM_001369788.1); c.643A>G, p.Asn215Asp (NM_001177984.3); short protein forms N215D.
Identifiers: ClinVar variation 253277 (VCV000253277.11), dbSNP rs879255695, ClinGen allele CA10586286.

ClinVar aggregate classification (germline): Pathogenic. Review status: criteria provided, single submitter (1 of 4 stars). 2 submissions from 2 submitters: Pathogenic (1). 1 of the submissions does not count toward it. Last evaluated 2023-11-08.

Conditions:
Developmental and epileptic encephalopathy, 13 (DEE13). Also called: Developmental and Epileptic Encephalopathy (SCN8A-DEE); SCN8A-Related Epilepsy; Early infantile epileptic encephalopathy 13. Identifiers: Orphanet 442835, MedGen C3281191, MONDO:0013801, OMIM 614558.
Early-infantile DEE. Also called: Early infantile epileptic encephalopathy; Ohtahara syndrome; Early infantile epileptic encephalopathy with suppression bursts. Identifiers: Orphanet 1934, MedGen C0393706, MONDO:0800491.

Submissions (2):

Labcorp Genetics (formerly Invitae), Labcorp
Classification: Pathogenic for Early-infantile DEE. Last evaluated: 2023-11-08. Review status: criteria provided, single submitter. Criteria: Invitae Variant Classification Sherloc (09022015). Collection method: clinical testing. Allele origin: germline.
Comment: This sequence change replaces asparagine, which is neutral and polar, with aspartic acid, which is acidic and polar, at codon 215 of the SCN8A protein (p.Asn215Asp). This variant is not present in population databases (gnomAD no frequency). This missense change has been observed in individual(s) with clinical features of SCN8A-related conditions (PMID: 25568300, 28135719; Invitae). In at least one individual the variant was observed to be de novo. This variant is also known as g.52082570A>G. ClinVar contains an entry for this variant (Variation ID: 253277). Advanced modeling of protein sequence and biophysical properties (such as structural, functional, and spatial information, amino acid conservation, physicochemical variation, residue mobility, and thermodynamic stability) performed at Invitae indicates that this missense variant is expected to disrupt SCN8A protein function with a positive predictive value of 95%. Experimental studies have shown that this missense change affects SCN8A function (PMID: 32916281). For these reasons, this variant has been classified as Pathogenic.

GeneReviews
No classification provided. Condition: Developmental and epileptic encephalopathy, 13. Review status: no classification provided. Collection method: literature only. Allele origin: germline. Affected: yes. Not counted in ClinVar's aggregate classification.

Literature cited by the submitters: PubMed 25568300 (cited by Labcorp Genetics (formerly Invitae), Labcorp and GeneReviews); PubMed 28135719 (cited by Labcorp Genetics (formerly Invitae), Labcorp); PubMed 32916281 (cited by Labcorp Genetics (formerly Invitae), Labcorp); PubMed 25533962 (cited by GeneReviews); NCBI Bookshelf NBK379665 (cited by GeneReviews).